The following is an entry in ClinVar:

ClinVar aggregate classification (germline): Uncertain significance (1 of 4 stars; one submission).

Allele frequency attached by ClinVar (database versions not stated): ExAC 0.00001; TOPMed 0.00001.
gnomAD v4.1: 23 of 1,613,704 alleles (0.0014%); highest among the groups gnomAD compares: Middle Eastern, 0.066%; no homozygotes.

Submission:

Labcorp Genetics (formerly Invitae), Labcorp
Classification: Uncertain significance. Last evaluated: 2025-06-02. Review status: criteria provided, single submitter. Criteria: Invitae Variant Classification Sherloc (09022015). Collection method: clinical testing. Allele origin: germline.
Comment: This sequence change replaces arginine, which is basic and polar, with glutamine, which is neutral and polar, at codon 508 of the AP3D1 protein (p.Arg508Gln). This variant is present in population databases (rs768071199, gnomAD 0.003%). This variant has not been reported in the literature in individuals affected with AP3D1-related conditions. ClinVar contains an entry for this variant (Variation ID: 2073101). An algorithm developed to predict the effect of missense changes on protein structure and function outputs the following: PolyPhen-2: "Benign". The glutamine amino acid residue is found in multiple mammalian species, which suggests that this missense change does not adversely affect protein function. In summary, the available evidence is currently insufficient to determine the role of this variant in disease. Therefore, it has been classified as a Variant of Uncertain Significance.

NM_001261826.3(AP3D1):c.1523G>A (p.Arg508Gln)

Gene: AP3D1 (adaptor related protein complex 3 subunit delta 1; minus strand). Cytogenetic location: 19p13.3.
Variant type: single nucleotide variant.
Coding change: c.1523G>A on transcript NM_001261826.3 (MANE Select); coding-DNA position 1523, G replaced by A.
Protein change: p.Arg508Gln; replaces arginine 508 with glutamine.
Molecular consequence: missense variant.
Genome position (GRCh38, 1-based): chr19:2,118,791, C>T on the plus strand (G>A on the coding strand, the complement: AP3D1 is on the minus strand). VCF-style: chr19-2118791-C-T. GRCh37 (hg19) VCF-style: chr19-2118790-C-T.
Other names: c.1523G>A, p.Arg508Gln (NM_001374799.1, NM_003938.8); short protein forms R508Q.
Identifiers: ClinVar variation 2073101 (VCV002073101.4), dbSNP rs768071199, ClinGen allele CA9059282.